The following is an entry in ClinVar:

ClinVar aggregate classification (germline): Uncertain significance (1 of 4 stars; one submission).

Conditions:
Lynch syndrome. Identifiers: Orphanet 144, MedGen C4552100, MONDO:0005835. Disease mechanism: loss of function.

Submission:

All of Us Research Program, National Institutes of Health
Classification: Uncertain significance for Lynch syndrome. Last evaluated: 2023-08-15. Review status: criteria provided, single submitter. Criteria: ACMG Guidelines, 2015. Collection method: clinical testing. Allele origin: germline. Inheritance: Autosomal dominant inheritance. Observed: 1 variant allele, 1 heterozygote.
Comment: This missense variant replaces phenylalanine with leucine at codon 706 of the MSH6 protein. Computational prediction suggests that this variant may have deleterious impact on protein structure and function (internally defined REVEL score threshold >= 0.7, PMID: 27666373). To our knowledge, functional studies have not been reported for this variant. This variant has not been reported in individuals affected with MSH6-related disorders in the literature. This variant has not been identified in the general population by the Genome Aggregation Database (gnomAD). The available evidence is insufficient to determine the role of this variant in disease conclusively. Therefore, this variant is classified as a Variant of Uncertain Significance.

This study involves interpretation of variants in research participants for the purpose of population health screening. Participant phenotype was not available at the time of variant classification. Additional details can be found in publication PMID: 35346344, PMCID: PMC8962531

NM_000179.3(MSH6):c.2118T>G (p.Phe706Leu)

Gene: MSH6 (mutS homolog 6; plus strand). Cytogenetic location: 2p16.3.
Variant type: single nucleotide variant.
Coding change: c.2118T>G on transcript NM_000179.3 (MANE Select); coding-DNA position 2118, T replaced by G.
Protein change: p.Phe706Leu; replaces phenylalanine 706 with leucine.
Molecular consequence: missense variant. On other transcripts: non-coding transcript variant (5), intron variant (2).
Genome position (GRCh38, 1-based): chr2:47,800,101, T>G. VCF-style: chr2-47800101-T-G. GRCh37 (hg19) VCF-style: chr2-48027240-T-G.
Other names: c.1728T>G, p.Phe576Leu (NM_001281492.2); c.1212T>G, p.Phe404Leu (NM_001281493.2, NM_001281494.2, NM_001406811.1 and 6 more transcripts); c.2214T>G, p.Phe738Leu (NM_001406795.1, NM_001406802.1); c.2118T>G, p.Phe706Leu (NM_001406796.1, NM_001406798.1, NM_001406800.1 and 3 more transcripts); c.1821T>G, p.Phe607Leu (NM_001406797.1, NM_001406801.1, NM_001406805.1 and 10 more transcripts); c.1593T>G, p.Phe531Leu (NM_001406799.1, NM_001406806.1, NM_001406807.1); c.2040T>G, p.Phe680Leu (NM_001406804.1); c.2124T>G, p.Phe708Leu (NM_001406813.1); and 3 more; short protein forms F404L, F531L, F576L, F607L, F650L, F680L, F706L, F708L.
Identifiers: ClinVar variation 3072934 (VCV003072934.1), dbSNP rs2104389604, ClinGen allele CA346750975.